The following is an entry in ClinVar:

ClinVar aggregate classification (germline): Uncertain significance. Review status: criteria provided, multiple submitters, no conflicts (2 of 4 stars). 3 submissions from 3 submitters: Uncertain significance (3). Last evaluated 2024-01-08.

Conditions:
Hereditary diffuse gastric adenocarcinoma (HDGC). Also called: DIFFUSE GASTRIC AND LOBULAR BREAST CANCER SYNDROME. Identifiers: Orphanet 26106, MedGen C1708349, MONDO:0007648, OMIM 137215.
Hereditary cancer-predisposing syndrome. Also called: Neoplastic Syndromes, Hereditary; Hereditary neoplastic syndrome; Hereditary Cancer Syndrome; Tumor predisposition. Identifiers: Orphanet 140162, MedGen C0027672, MeSH D009386, MONDO:0015356.

Allele frequency attached by ClinVar (database versions not stated): gnomAD exomes below 0.00001.

Submissions (3):

Ambry Genetics
Classification: Uncertain significance for Hereditary cancer-predisposing syndrome. Last evaluated: 2024-01-08. Review status: criteria provided, single submitter. Criteria: Ambry Variant Classification Scheme 2023. Collection method: clinical testing. Allele origin: germline.
Comment: The p.V477M variant (also known as c.1429G>A), located in coding exon 10 of the CDH1 gene, results from a G to A substitution at nucleotide position 1429. The valine at codon 477 is replaced by methionine, an amino acid with highly similar properties. This amino acid position is highly conserved in available vertebrate species. In addition, this alteration is predicted to be deleterious by in silico analysis. Since supporting evidence is limited at this time, the clinical significance of this alteration remains unclear.

Labcorp Genetics (formerly Invitae), Labcorp
Classification: Uncertain significance for Hereditary diffuse gastric adenocarcinoma. Last evaluated: 2023-05-17. Review status: criteria provided, single submitter. Criteria: Invitae Variant Classification Sherloc (09022015). Collection method: clinical testing. Allele origin: germline.
Comment: This sequence change replaces valine, which is neutral and non-polar, with methionine, which is neutral and non-polar, at codon 477 of the CDH1 protein (p.Val477Met). This variant is not present in population databases (gnomAD no frequency). In summary, the available evidence is currently insufficient to determine the role of this variant in disease. Therefore, it has been classified as a Variant of Uncertain Significance. An algorithm developed to predict the effect of missense changes on protein structure and function (PolyPhen-2) suggests that this variant is likely to be disruptive. ClinVar contains an entry for this variant (Variation ID: 947445). This variant has not been reported in the literature in individuals affected with CDH1-related conditions.

GeneDx
Classification: Uncertain significance. Last evaluated: 2019-11-20. Review status: criteria provided, single submitter. Criteria: GeneDx Variant Classification Process June 2021. Collection method: clinical testing. Allele origin: germline. Affected: yes.
Comment: Not observed in large population cohorts (Lek 2016); In silico analysis, which includes protein predictors and evolutionary conservation, supports a deleterious effect; Has not been previously published as pathogenic or benign to our knowledge

NM_004360.5(CDH1):c.1429G>A (p.Val477Met)

Gene: CDH1 (cadherin 1; plus strand). Cytogenetic location: 16q22.1.
Variant type: single nucleotide variant.
Coding change: c.1429G>A on transcript NM_004360.5 (MANE Select); coding-DNA position 1429, G replaced by A.
Protein change: p.Val477Met; replaces valine 477 with methionine.
Molecular consequence: missense variant. On other transcripts: 5 prime UTR variant (2).
Genome position (GRCh38, 1-based): chr16:68,815,623, G>A. VCF-style: chr16-68815623-G-A. GRCh37 (hg19) VCF-style: chr16-68849526-G-A.
Other names: c.1246G>A, p.Val416Met (NM_001317184.2); c.-120G>A (NM_001317185.2); c.-391G>A (NM_001317186.2); short protein forms V416M, V477M.
Identifiers: ClinVar variation 947445 (VCV000947445.14), dbSNP rs1960963393, ClinGen allele CA396462995.